The following is an entry in ClinVar:

NM_001267550.2(TTN):c.71298dup (p.Arg23767fs)

Genes: TTN (titin; minus strand), TTN-AS1 (TTN antisense RNA 1; plus strand). Cytogenetic location: 2q31.2.
Variant type: Duplication.
Coding change: c.71298dup on transcript NM_001267550.2 (MANE Select); coding-DNA position 71298, one base duplicated (G; older notation c.71298dupG).
Protein change: p.Arg23767fs; shifts the reading frame from arginine 23767.
Molecular consequence: frameshift variant.
Genome position (GRCh38, 1-based): chr2:178,574,834, C duplicated on the plus strand (G on the coding strand, the reverse complement: TTN is on the minus strand). VCF-style (leftmost placement, unchanged base first): chr2-178574833-G-GC. GRCh37 (hg19) VCF-style: chr2-179439560-G-GC.
Other names: c.66375dup, p.Arg22126fs (NM_001256850.1); c.44103dup, p.Arg14702fs (NM_003319.4); c.63594dup, p.Arg21199fs (NM_133378.4); c.44478dup, p.Arg14827fs (NM_133432.3); c.44679dup, p.Arg14894fs (NM_133437.4); c.66375dupG (NM_001256850.1); short protein forms R21199fs, R22126fs, R14827fs, R23767fs, R14702fs, R14894fs.
Identifiers: ClinVar variation 524101 (VCV000524101.2), dbSNP rs1553611773, ClinGen allele CA658796003.

ClinVar aggregate classification (germline): Likely pathogenic (1 of 4 stars; one submission).

Submission:

GeneDx
Classification: Likely pathogenic. Last evaluated: 2018-04-19. Review status: criteria provided, single submitter. Criteria: GeneDx Variant Classification (06012015). Collection method: clinical testing. Allele origin: germline. Affected: yes.
Comment: The c.66375dupG likely pathogenic variant in the TTN gene has not been reported previously as pathogenic or benign, to our knowledge. c.66375dupG causes a shift in reading frame starting at codon arginine 22126, changing it to an alanine, and creating a premature stop codon at position 4 of the new reading frame, denoted p.Arg22126AlafsX4. This variant is expected to result in either an abnormal, truncated protein product or loss of protein from this allele through nonsense mediated mRNA decay. Other truncating TTN variants have been reported in approximately 3% of control alleles (Herman et al., 2012). However, c.66375dupG is located in the A-band region of titin, where the majority of truncating pathogenic variants associated with DCM have been reported (Herman et al., 2012).